The following is an entry in ClinVar:

NM_173660.5(DOK7):c.1110C>T (p.Gly370=)

Gene: DOK7 (docking protein 7; plus strand). Cytogenetic location: 4p16.3.
Variant type: single nucleotide variant.
Coding change: c.1110C>T on transcript NM_173660.5 (MANE Select); coding-DNA position 1110, C replaced by T.
Protein change: p.Gly370=; no amino-acid change (glycine 370 retained).
Molecular consequence: synonymous variant. On other transcripts: 3 prime UTR variant (1).
Genome position (GRCh38, 1-based): chr4:3,493,096, C>T. VCF-style: chr4-3493096-C-T. GRCh37 (hg19) VCF-style: chr4-3494823-C-T.
Other names: c.*331C>T (NM_001164673.2); c.180C>T, p.Gly60= (NM_001256896.2); c.1110C>T, p.Gly370= (NM_001301071.2); c.678C>T, p.Gly226= (NM_001363811.2).
Identifiers: ClinVar variation 3032928 (VCV003032928.2), dbSNP rs1211983698, ClinGen allele CA438362631.

ClinVar aggregate classification (germline): Likely benign (0 of 4 stars; one submission).

Conditions:
DOK7-related disorder. Also called: DOK7-related condition.

Allele frequency attached by ClinVar (database versions not stated): 1000 Genomes Project 30x 0.00016.

Submission:

PreventionGenetics, part of Exact Sciences
Classification: Likely benign for DOK7-related condition. Last evaluated: 2022-06-09. Review status: no assertion criteria provided. Collection method: clinical testing. Allele origin: germline.
Comment: This variant is classified as likely benign based on ACMG/AMP sequence variant interpretation guidelines (Richards et al. 2015 PMID: 25741868, with internal and published modifications).